The following is an entry in ClinVar:

ClinVar aggregate classification (germline): Uncertain significance (1 of 4 stars; one submission).

Conditions:
DISP1-related disorder. Also called: DISP1-related condition.

Submission:

PreventionGenetics, part of Exact Sciences
Classification: Uncertain significance for DISP1-related condition. Last evaluated: 2022-10-15. Review status: criteria provided, single submitter. Criteria: ACMG Guidelines, 2015. Collection method: clinical testing. Allele origin: germline.
Comment: The DISP1 c.2593T>A variant is predicted to result in the amino acid substitution p.Cys865Ser. To our knowledge, this variant has not been reported in the literature or in a large population database, indicating this variant is rare. At this time, the clinical significance of this variant is uncertain due to the absence of conclusive functional and genetic evidence.

NM_001377229.1(DISP1):c.2593T>A (p.Cys865Ser)

Gene: DISP1 (dispatched RND transporter family member 1; plus strand). Cytogenetic location: 1q41.
Variant type: single nucleotide variant.
Coding change: c.2593T>A on transcript NM_001377229.1 (MANE Select); coding-DNA position 2593, T replaced by A.
Protein change: p.Cys865Ser; replaces cysteine 865 with serine.
Molecular consequence: missense variant.
Genome position (GRCh38, 1-based): chr1:223,003,990, T>A. VCF-style: chr1-223003990-T-A. GRCh37 (hg19) VCF-style: chr1-223177332-T-A.
Other names: c.1864T>A, p.Cys622Ser (NM_001350630.2); c.2593T>A, p.Cys865Ser (NM_001369594.1, NM_001377228.1, NM_032890.5); short protein forms C622S, C865S.
Identifiers: ClinVar variation 2628930 (VCV002628930.1), dbSNP rs2528308634, ClinGen allele CA344682292.